The following is an entry in ClinVar:

ClinVar aggregate classification (germline): Benign/Likely benign. Review status: criteria provided, multiple submitters, no conflicts (2 of 4 stars). 3 submissions from 3 submitters: Benign (1); Likely benign (2). Last evaluated 2025-11-16.

Conditions:
Diffuse cerebral and cerebellar atrophy - intractable seizures - progressive microcephaly syndrome. Also called: Microcephaly, progressive, with seizures and cerebral and cerebellar atrophy. Identifiers: Orphanet 404437, MedGen C4014239, MONDO:0014335, OMIM 615760.

Allele frequency attached by ClinVar (database versions not stated): gnomAD exomes 0.00009 and 0.00027; gnomAD 0.00015 and 0.00019; ExAC 0.00025; TOPMed 0.00025; 1000 Genomes Project 0.00120.

Submissions (3):

Labcorp Genetics (formerly Invitae), Labcorp
Classification: Benign for Diffuse cerebral and cerebellar atrophy - intractable seizures - progressive microcephaly syndrome. Last evaluated: 2025-11-16. Review status: criteria provided, single submitter. Criteria: Invitae Variant Classification Sherloc (09022015). Collection method: clinical testing. Allele origin: germline.

ARUP Laboratories, Molecular Genetics and Genomics, ARUP Laboratories
Classification: Likely benign for Diffuse cerebral and cerebellar atrophy - intractable seizures - progressive microcephaly syndrome. Last evaluated: 2025-03-20. Review status: criteria provided, single submitter. Criteria: ARUP Molecular Germline Variant Investigation Process 2024. Collection method: clinical testing. Allele origin: germline.

GeneDx
Classification: Likely benign. Last evaluated: 2016-09-13. Review status: criteria provided, single submitter. Criteria: GeneDx Variant Classification (06012015). Collection method: clinical testing. Allele origin: germline. Affected: yes.
Comment: This variant is considered likely benign or benign based on one or more of the following criteria: it is a conservative change, it occurs at a poorly conserved position in the protein, it is predicted to be benign by multiple in silico algorithms, and/or has population frequency not consistent with disease.

NM_005051.3(QARS1):c.1758+17_1758+18del

Gene: QARS1 (glutaminyl-tRNA synthetase 1; minus strand). Cytogenetic location: 3p21.31.
Variant type: Deletion.
Coding change: c.1758+17_1758+18del on transcript NM_005051.3 (MANE Select); bases 17 to 18 of the intron after coding-DNA position 1758, 2 bases deleted (AT; older notation c.1758+17_1758+18delAT).
Molecular consequence: intron variant.
Genome position (GRCh38, 1-based): chr3:49,099,092-49,099,093, AT deleted on the plus strand (AT on the coding strand, the reverse complement: QARS1 is on the minus strand). VCF-style (leftmost placement, unchanged base first): chr3-49099091-CAT-C. GRCh37 (hg19) VCF-style: chr3-49136524-CAT-C.
Other names: c.1725+17_1725+18del (NM_001272073.2).
Identifiers: ClinVar variation 422132 (VCV000422132.10), dbSNP rs372006503, ClinGen allele CA2391655.
Genomic context (GRCh38, chr3:49,099,091, plus strand): 5'-ATTAGGACCCCCATGCCCAGAGCCAAGTGTACCCCCAGCTACACACACACATGTGACACA[CAT>C]GTTGAGGCAGGCCCACCTTGGCAGCAGGAAAGTTGGTGATGATGACCCGTAGTGACTCCA-3'